The following is an entry in ClinVar:

NM_005228.5(EGFR):c.3134C>A (p.Ser1045Tyr)

Gene: EGFR (epidermal growth factor receptor; plus strand). Cytogenetic location: 7p11.2.
Variant type: single nucleotide variant.
Coding change: c.3134C>A on transcript NM_005228.5 (MANE Select); coding-DNA position 3134, C replaced by A.
Protein change: p.Ser1045Tyr; replaces serine 1045 with tyrosine.
Molecular consequence: missense variant.
Genome position (GRCh38, 1-based): chr7:55,201,754, C>A. VCF-style: chr7-55201754-C-A. GRCh37 (hg19) VCF-style: chr7-55269447-C-A.
Other names: c.2333C>A, p.Ser778Tyr (NM_001346941.2); c.2999C>A, p.Ser1000Tyr (NM_001346897.2, NM_001346899.2); c.3134C>A, p.Ser1045Tyr (NM_001346898.2); c.2975C>A, p.Ser992Tyr (NM_001346900.2); short protein forms S1000Y, S1045Y, S778Y, S992Y.
Identifiers: ClinVar variation 5035789 (VCV005035789.1).

ClinVar aggregate classification (germline): Uncertain significance (1 of 4 stars; one submission).

Conditions:
Hereditary cancer-predisposing syndrome. Also called: Hereditary Cancer Syndrome; Neoplastic Syndromes, Hereditary; Tumor predisposition; Hereditary neoplastic syndrome. Identifiers: Orphanet 140162, MedGen C0027672, MeSH D009386, MONDO:0015356.

Submission:

Ambry Genetics
Classification: Uncertain significance for Hereditary cancer-predisposing syndrome. Last evaluated: 2026-07-07. Review status: criteria provided, single submitter. Criteria: Ambry Variant Classification Scheme 2023. Collection method: clinical testing. Allele origin: germline.
Comment: The p.S1045Y variant (also known as c.3134C>A), located in coding exon 26 of the EGFR gene, results from a C to A substitution at nucleotide position 3134. The serine at codon 1045 is replaced by tyrosine, an amino acid with dissimilar properties. This amino acid position is conserved. In addition, the in silico prediction for this alteration is inconclusive. Based on the available evidence, the clinical significance of this variant remains unclear.